The following is an entry in ClinVar:

NM_001282225.2(ADA2):c.1471_1472dup (p.Asn491fs)

Gene: ADA2 (adenosine deaminase 2; minus strand). Cytogenetic location: 22q11.1.
Variant type: Duplication.
Coding change: c.1471_1472dup on transcript NM_001282225.2 (MANE Select); coding-DNA positions 1471 to 1472, 2 bases duplicated (AA; older notation c.1471_1472dupAA).
Protein change: p.Asn491fs; shifts the reading frame from asparagine 491.
Molecular consequence: frameshift variant.
Genome position (GRCh38, 1-based): chr22:17,181,547-17,181,548, TT duplicated on the plus strand (AA on the coding strand, the reverse complement: ADA2 is on the minus strand); duplicating any 2 consecutive bases within chr22:17,181,547-17,181,551 gives the same sequence; the c. name uses the placement nearest the transcript's 3' end. VCF-style (leftmost placement, unchanged base first): chr22-17181546-A-ATT. GRCh37 (hg19) VCF-style: chr22-17662436-A-ATT.
Other names: c.1471_1472dup, p.Asn491fs (NM_001282226.2); c.1345_1346dup, p.Asn449fs (NM_001282227.2, NM_001282228.2); c.1111_1112dup, p.Asn371fs (NM_001282229.2); c.748_749dup, p.Asn250fs (NM_177405.3); short protein forms N371fs, N449fs, N250fs, N491fs.
Identifiers: ClinVar variation 1901465 (VCV001901465.6), dbSNP rs2517274830, ClinGen allele CA2580099059.

ClinVar aggregate classification (germline): Conflicting classifications of pathogenicity. Review status: criteria provided, conflicting classifications (1 of 4 stars). 2 submissions from 2 submitters: Likely pathogenic (1); Uncertain significance (1). Last evaluated 2025-07-27.

Conditions:
Deficiency of adenosine deaminase 2. Also called: Adenosine Deaminase 2 Deficiency; VASCULITIS, AUTOINFLAMMATION, IMMUNODEFICIENCY, AND HEMATOLOGIC DEFECTS SYNDROME; Polyarteritis nodosa, childhoood-onset. Identifiers: Orphanet 404553, MedGen C3887654, MONDO:0014306, OMIM 615688, MONDO:0100317.

Submissions (2):

Labcorp Genetics (formerly Invitae), Labcorp
Classification: Likely pathogenic for Deficiency of adenosine deaminase 2. Last evaluated: 2025-07-27. Review status: criteria provided, single submitter. Criteria: Invitae Variant Classification Sherloc (09022015). Collection method: clinical testing. Allele origin: germline.
Comment: This sequence change creates a premature translational stop signal (p.Asn491Lysfs*16) in the ADA2 gene. While this is not anticipated to result in nonsense mediated decay, it is expected to disrupt the last 21 amino acid(s) of the ADA2 protein. This variant is not present in population databases (gnomAD no frequency). This premature translational stop signal has been observed in individual(s) with clinical features of deficiency of adenosine deaminase 2 (DADA2) (internal data). It has also been observed to segregate with disease in related individuals. ClinVar contains an entry for this variant (Variation ID: 1901465). Algorithms developed to predict the effect of sequence changes on RNA splicing suggest that this variant may disrupt the consensus splice site. In summary, the currently available evidence indicates that the variant is pathogenic, but additional data are needed to prove that conclusively. Therefore, this variant has been classified as Likely Pathogenic.

3billion
Classification: Uncertain significance for Deficiency of adenosine deaminase 2. Last evaluated: 2025-05-23. Review status: criteria provided, single submitter. Criteria: ACMG Guidelines, 2015. Collection method: clinical testing. Allele origin: germline. Affected: yes.
Comment: The variant is not observed in the gnomAD v4.1.0 dataset. Predicted Consequence/Location: Frameshift: predicted to result in a loss or disruption of normal protein function through protein truncation. The predicted truncated protein may be shortened by less than 10%. The variant has been reported to be associated with ADA2-related disorder (ClinVar ID: VCV001901465). However, the evidence of pathogenicity is insufficient at this time. Therefore, this variant is classified as VUS according to the recommendation of ACMG/AMP guideline.